The following is an entry in ClinVar:

NM_004924.6(ACTN4):c.1143G>T (p.Ser381=)

Gene: ACTN4 (actinin alpha 4; plus strand). Cytogenetic location: 19q13.2.
Variant type: single nucleotide variant.
Coding change: c.1143G>T on transcript NM_004924.6 (MANE Select); coding-DNA position 1143, G replaced by T.
Protein change: p.Ser381=; no amino-acid change (serine 381 retained).
Molecular consequence: synonymous variant.
Genome position (GRCh38, 1-based): chr19:38,717,316, G>T. VCF-style: chr19-38717316-G-T. GRCh37 (hg19) VCF-style: chr19-39207956-G-T.
Other names: c.1143G>T, p.Ser381= (NM_001322033.2, NM_001411143.1).
Identifiers: ClinVar variation 1927331 (VCV001927331.7), dbSNP rs149121081, ClinGen allele CA9417525.

ClinVar aggregate classification (germline): Uncertain significance. Review status: criteria provided, single submitter (1 of 4 stars). 2 submissions from 2 submitters: Uncertain significance (1). 1 of the submissions does not count toward it. Last evaluated 2022-08-21.

Allele frequency attached by ClinVar (database versions not stated): ExAC 0.00004.
gnomAD v4.1: 34 of 1,613,426 alleles (0.0021%); highest among the groups gnomAD compares: Middle Eastern, 0.016%; no homozygotes.

Submissions (2):

Labcorp Genetics (formerly Invitae), Labcorp
Classification: Uncertain significance. Last evaluated: 2022-08-21. Review status: criteria provided, single submitter. Criteria: Invitae Variant Classification Sherloc (09022015). Collection method: clinical testing. Allele origin: germline.
Comment: Variants that disrupt the consensus splice site are a relatively common cause of aberrant splicing (PMID: 17576681, 9536098). Algorithms developed to predict the effect of sequence changes on RNA splicing suggest that this variant is not likely to affect RNA splicing. In summary, the available evidence is currently insufficient to determine the role of this variant in disease. Therefore, it has been classified as a Variant of Uncertain Significance. This variant has not been reported in the literature in individuals affected with ACTN4-related conditions. This variant is present in population databases (rs149121081, gnomAD 0.02%). This sequence change affects codon 381 of the ACTN4 mRNA. It is a 'silent' change, meaning that it does not change the encoded amino acid sequence of the ACTN4 protein. This variant also falls at the last nucleotide of exon 10, which is part of the consensus splice site for this exon.

Genetic Services Laboratory, University of Chicago
Classification: Uncertain significance. Last evaluated: 2022-06-14. Review status: no assertion criteria provided. Collection method: clinical testing. Allele origin: germline. Affected: no. Not counted in ClinVar's aggregate classification.
Comment: DNA sequence analysis of the ACTN4 gene demonstrated a sequence change, c.1143G>T, impacting the last nucleotide of exon 10 which does not result in an amino acid change. This sequence change has been described in the gnomAD database with a frequency 0.02% in the European Finnish subpopulation (dbSNP rs149121081). In-silico splice prediction programs, predict this sequence change affects normal splicing of the ACTN4 gene, which would result in an abnormal protein, however functional studies have not been performed to prove this conclusively. This sequence change does not appear to have been previously described in individual’s with ACTN4-related disorders. As the c.1143G>T sequence change does not result in a change in the ACTN4 amino acid sequence, it is possible that this change is non-pathogenic and represents a benign sequence variant of the ACTN4 gene. The functional significance of this sequence change is not known at present and its contribution to this individual’s disease phenotype cannot definitively be determined.

Literature cited by the submitters: PubMed 17576681 (cited by Labcorp Genetics (formerly Invitae), Labcorp); PubMed 9536098 (cited by Labcorp Genetics (formerly Invitae), Labcorp).